The following is an entry in ClinVar:

NM_001394062.1(MACF1):c.2573C>G (p.Pro858Arg)

Gene: MACF1 (microtubule actin crosslinking factor 1; plus strand). Cytogenetic location: 1p34.3.
Variant type: single nucleotide variant.
Coding change: c.2573C>G on transcript NM_001394062.1 (MANE Select); coding-DNA position 2573, C replaced by G.
Protein change: p.Pro858Arg; replaces proline 858 with arginine.
Molecular consequence: missense variant.
Genome position (GRCh38, 1-based): chr1:39,300,301, C>G. VCF-style: chr1-39300301-C-G. GRCh37 (hg19) VCF-style: chr1-39765973-C-G.
Other names: c.2588C>G, p.Pro863Arg (NM_012090.5); short protein forms P858R, P863R.
Identifiers: ClinVar variation 2632264 (VCV002632264.1), dbSNP rs1646012560, ClinGen allele CA339772442.

ClinVar aggregate classification (germline): Uncertain significance (1 of 4 stars; one submission).

Conditions:
MACF1-related disorder. Also called: MACF1-related condition.

Submission:

PreventionGenetics, part of Exact Sciences
Classification: Uncertain significance for MACF1-related condition. Last evaluated: 2023-08-06. Review status: criteria provided, single submitter. Criteria: ACMG Guidelines, 2015. Collection method: clinical testing. Allele origin: germline.
Comment: The MACF1 c.2588C>G variant is predicted to result in the amino acid substitution p.Pro863Arg. To our knowledge, this variant has not been reported in the literature or in a large population database, indicating this variant is rare. At this time, the clinical significance of this variant is uncertain due to the absence of conclusive functional and genetic evidence.